The following is an entry in ClinVar:

ClinVar aggregate classification (germline): Uncertain significance (1 of 4 stars; one submission).

Allele frequency attached by ClinVar (database versions not stated): gnomAD exomes below 0.00001.
gnomAD v4.1: 2 of 1,612,428 alleles (0.00012%); highest among the groups gnomAD compares: African/African-American, 0.0013%; no homozygotes.

Submission:

Ambry Genetics
Classification: Uncertain significance. Last evaluated: 2022-01-02. Review status: criteria provided, single submitter. Criteria: Ambry Variant Classification Scheme 2023. Collection method: clinical testing. Allele origin: germline.
Comment: The p.S1250R variant (also known as c.3748A>C), located in coding exon 16 of the POLQ gene, results from an A to C substitution at nucleotide position 3748. The serine at codon 1250 is replaced by arginine, an amino acid with dissimilar properties. This amino acid position is conserved. In addition, this alteration is predicted to be tolerated by in silico analysis. Since supporting evidence is limited at this time, the clinical significance of this alteration remains unclear.

NM_199420.4(POLQ):c.3748A>C (p.Ser1250Arg)

Gene: POLQ (DNA polymerase theta; minus strand). Cytogenetic location: 3q13.33.
Variant type: single nucleotide variant.
Coding change: c.3748A>C on transcript NM_199420.4 (MANE Select); coding-DNA position 3748, A replaced by C.
Protein change: p.Ser1250Arg; replaces serine 1250 with arginine.
Molecular consequence: missense variant.
Genome position (GRCh38, 1-based): chr3:121,489,183, T>G on the plus strand (A>C on the coding strand, the complement: POLQ is on the minus strand). VCF-style: chr3-121489183-T-G. GRCh37 (hg19) VCF-style: chr3-121208030-T-G.
Other names: short protein forms S1250R.
Identifiers: ClinVar variation 1734521 (VCV001734521.2), dbSNP rs2546786988, ClinGen allele CA354097546.